The following is an entry in ClinVar:

NM_001384317.1(ZHX3):c.757G>A (p.Ala253Thr)

Gene: ZHX3 (zinc fingers and homeoboxes 3; minus strand). Cytogenetic location: 20q12.
Variant type: single nucleotide variant.
Coding change: c.757G>A on transcript NM_001384317.1 (MANE Select); coding-DNA position 757, G replaced by A.
Protein change: p.Ala253Thr; replaces alanine 253 with threonine.
Molecular consequence: missense variant.
Genome position (GRCh38, 1-based): chr20:41,204,160, C>T on the plus strand (G>A on the coding strand, the complement: ZHX3 is on the minus strand). VCF-style: chr20-41204160-C-T. GRCh37 (hg19) VCF-style: chr20-39832800-C-T.
Other names: c.757G>A (NM_015035.3); c.757G>A, p.Ala253Thr (NM_001384315.1, NM_001384316.1, NM_001384318.1 and 8 more transcripts); short protein forms A253T.
Identifiers: ClinVar variation 2071489 (VCV002071489.6), dbSNP rs368477337, ClinGen allele CA9860064.

ClinVar aggregate classification (germline): Conflicting classifications of pathogenicity. Review status: criteria provided, conflicting classifications (1 of 4 stars). 2 submissions from 2 submitters: Uncertain significance (1); Likely benign (1). Last evaluated 2025-12-11.

Allele frequency attached by ClinVar (database versions not stated): gnomAD 0.00007; ESP Exome Variant Server 0.00008; ExAC 0.00009.
gnomAD v4.1: 273 of 1,607,228 alleles (0.017%); highest among the groups gnomAD compares: Non-Finnish European, 0.021%; no homozygotes.

Submissions (2):

Labcorp Genetics (formerly Invitae), Labcorp
Classification: Uncertain significance. Last evaluated: 2025-12-11. Review status: criteria provided, single submitter. Criteria: Invitae Variant Classification Sherloc (09022015). Collection method: clinical testing. Allele origin: germline.
Comment: This sequence change replaces alanine, which is neutral and non-polar, with threonine, which is neutral and polar, at codon 253 of the ZHX3 protein (p.Ala253Thr). This variant is present in population databases (rs368477337, gnomAD 0.03%). This variant has not been reported in the literature in individuals affected with ZHX3-related conditions. ClinVar contains an entry for this variant (Variation ID: 2071489). An algorithm developed to predict the effect of missense changes on protein structure and function outputs the following: PolyPhen-2: "Benign". The threonine amino acid residue is found in multiple mammalian species, which suggests that this missense change does not adversely affect protein function. In summary, the available evidence is currently insufficient to determine the role of this variant in disease. Therefore, it has been classified as a Variant of Uncertain Significance.

Ambry Genetics
Classification: Likely benign. Last evaluated: 2023-05-03. Review status: criteria provided, single submitter. Criteria: Ambry Variant Classification Scheme 2023. Collection method: clinical testing. Allele origin: germline.